The following is an entry in ClinVar:

NM_000080.4(CHRNE):c.1231C>T (p.Gln411Ter)

Gene: CHRNE (cholinergic receptor nicotinic epsilon subunit; minus strand). Cytogenetic location: 17p13.2.
Variant type: single nucleotide variant.
Coding change: c.1231C>T on transcript NM_000080.4 (MANE Select); coding-DNA position 1231, C replaced by T.
Protein change: p.Gln411Ter; replaces glutamine 411 with a stop codon.
Molecular consequence: nonsense.
Genome position (GRCh38, 1-based): chr17:4,899,096, G>A on the plus strand (C>T on the coding strand, the complement: CHRNE is on the minus strand). VCF-style: chr17-4899096-G-A. GRCh37 (hg19) VCF-style: chr17-4802391-G-A.
Other names: short protein forms Q411*.
Identifiers: ClinVar variation 835190 (VCV000835190.8), dbSNP rs1969839736, ClinGen allele CA397298683.

ClinVar aggregate classification (germline): Pathogenic/Likely pathogenic. Review status: criteria provided, multiple submitters, no conflicts (2 of 4 stars). 2 submissions from 2 submitters: Pathogenic (1); Likely pathogenic (1). Last evaluated 2024-06-10.

Conditions:
Congenital myasthenic syndrome 4A. Also called: Myasthenic syndrome, congenital, 4a, slow-channel; MYASTHENIC SYNDROME, CONGENITAL, 4A, SLOW-CHANNEL, AUTOSOMAL RECESSIVE; CONGENITAL MYASTHENIC SYNDROME TYPE Ia1. Identifiers: Orphanet 590, MedGen C4225413, MONDO:0011600, OMIM 605809.
Congenital myasthenic syndrome 4C (CMS4C). Also called: Myasthenic syndrome, congenital, associated with acetylcholine receptor deficiency. Identifiers: Orphanet 590, MedGen C1837091, MONDO:0012157, OMIM 608931.
Congenital myasthenic syndrome 4B. Also called: Myasthenic syndrome, congenital, 4b, fast-channel. Identifiers: Orphanet 590, MedGen C4225369, MONDO:0014586, OMIM 616324.

Allele frequency attached by ClinVar (database versions not stated): gnomAD exomes 0.00001.
gnomAD v4.1: 7 of 1,609,874 alleles (0.00043%); highest among the groups gnomAD compares: Non-Finnish European, 0.00059%; no homozygotes.

Submissions (2):

Fulgent Genetics
Classification: Likely pathogenic for Congenital myasthenic syndrome 4A; Congenital myasthenic syndrome 4C; Congenital myasthenic syndrome 4B. Last evaluated: 2024-06-10. Review status: criteria provided, single submitter. Criteria: ACMG Guidelines, 2015. Collection method: clinical testing. Allele origin: germline.

Labcorp Genetics (formerly Invitae), Labcorp
Classification: Pathogenic for Congenital myasthenic syndrome 4A. Last evaluated: 2023-11-07. Review status: criteria provided, single submitter. Criteria: Invitae Variant Classification Sherloc (09022015). Collection method: clinical testing. Allele origin: germline.
Comment: This sequence change creates a premature translational stop signal (p.Gln411*) in the CHRNE gene. It is expected to result in an absent or disrupted protein product. Loss-of-function variants in CHRNE are known to be pathogenic (PMID: 22678886). This variant is not present in population databases (gnomAD no frequency). This variant has not been reported in the literature in individuals affected with CHRNE-related conditions. ClinVar contains an entry for this variant (Variation ID: 835190). For these reasons, this variant has been classified as Pathogenic.

Literature cited by the submitters: PubMed 22678886 (cited by Labcorp Genetics (formerly Invitae), Labcorp).